The following is an entry in ClinVar:

NM_182931.3(KMT2E):c.4669T>C (p.Tyr1557His)

Gene: KMT2E (lysine methyltransferase 2E (inactive); plus strand). Cytogenetic location: 7q22.3.
Variant type: single nucleotide variant.
Coding change: c.4669T>C on transcript NM_182931.3 (MANE Select); coding-DNA position 4669, T replaced by C.
Protein change: p.Tyr1557His; replaces tyrosine 1557 with histidine.
Molecular consequence: missense variant.
Genome position (GRCh38, 1-based): chr7:105,112,425, T>C. VCF-style: chr7-105112425-T-C. GRCh37 (hg19) VCF-style: chr7-104752872-T-C.
Other names: c.4543T>C, p.Tyr1515His (NM_001410908.1); c.4669T>C, p.Tyr1557His (NM_018682.4); short protein forms Y1515H, Y1557H.
Identifiers: ClinVar variation 2503170 (VCV002503170.2), dbSNP rs2536525546, ClinGen allele CA368793140.
Genomic context (GRCh38, chr7:105,112,425, plus strand): 5'-CAAAGTCTGAACAGCACGGCACCACCCCCTCCACCTCCTCCACCTCCTTCTTCGTCTTAC[T>C]ATCAAAACCAGCAGCCCTCTGCAAACTTTCAGAATTATAATCAGCTCAAAGGTAGTCTTT-3'
Protein context (NP_891847.1, residues 1547-1567): PPPPPPSSSY[Tyr1557His]QNQQPSANFQ

ClinVar aggregate classification (germline): Uncertain significance (1 of 4 stars; one submission).

Allele frequency attached by ClinVar (database versions not stated): gnomAD exomes below 0.00001.
gnomAD v4.1: 1 of 1,612,832 alleles (0.000062%); highest among the groups gnomAD compares: Non-Finnish European, 0.000085%; no homozygotes.

Submission:

GeneDx
Classification: Uncertain significance. Last evaluated: 2025-06-13. Review status: criteria provided, single submitter. Criteria: GeneDx Variant Classification Process June 2021. Collection method: clinical testing. Allele origin: germline.
Comment: Not observed at significant frequency in large population cohorts (gnomAD); In silico analysis suggests that this missense variant does not alter protein structure/function; Has not been previously published as pathogenic or benign to our knowledge